The following is an entry in ClinVar:

NM_021098.3(CACNA1H):c.6048+35C>T

Gene: CACNA1H (calcium voltage-gated channel subunit alpha1 H; plus strand). Cytogenetic location: 16p13.3.
Variant type: single nucleotide variant.
Coding change: c.6048+35C>T on transcript NM_021098.3 (MANE Select); 35 bases into the intron after coding-DNA position 6048, C replaced by T.
Molecular consequence: intron variant.
Genome position (GRCh38, 1-based): chr16:1,219,165, C>T. VCF-style: chr16-1219165-C-T. GRCh37 (hg19) VCF-style: chr16-1269165-C-T.
Other names: NC_000016.9:g.1269165C>T; c.6030+35C>T (NM_001005407.2).
Identifiers: ClinVar variation 4407872 (VCV004407872.7).

ClinVar aggregate classification (germline): Likely benign (1 of 4 stars; one submission).

gnomAD v4.1: 471 of 1,489,376 alleles (0.032%); highest among the groups gnomAD compares: East Asian, 0.14%; 1 homozygote.

Submissions (2):

CeGaT Center for Human Genetics Tuebingen
Classification: Likely benign. Last evaluated: 2026-04-01. Review status: criteria provided, single submitter. Criteria: CeGaT Center For Human Genetics Tuebingen Variant Classification Criteria Version 2. Collection method: clinical testing. Allele origin: germline. Affected: yes. Observed: 2 variant alleles.
Comment: CACNA1H: BS2

Dr. Peter K. Rogan Lab, Western University
No classification provided (evidence only). Condition: Malignant tumor of esophagus. Review status: no classification provided. Collection method: in vitro. Allele origin: not applicable. Functional consequence: retained intron. Not counted in ClinVar's aggregate classification.